The following is an entry in ClinVar:

ClinVar aggregate classification (germline): Benign/Likely benign. Review status: criteria provided, multiple submitters, no conflicts (2 of 4 stars). 3 submissions from 3 submitters: Benign (1); Likely benign (1). 1 of the submissions does not count toward it. Last evaluated 2026-01-24.

Conditions:
NFKB2-related disorder. Also called: NFKB2-related condition.
Immunodeficiency, common variable, 10. Also called: IMMUNODEFICIENCY, COMMON VARIABLE, WITH CENTRAL ADRENAL INSUFFICIENCY; DEFICIT IN ANTERIOR PITUITARY FUNCTION AND VARIABLE IMMUNODEFICIENCY. Identifiers: MedGen C3809991, MONDO:0014260, OMIM 615577.

Allele frequency attached by ClinVar (database versions not stated): TOPMed 0.00073; gnomAD 0.00078 and 0.00083; ESP Exome Variant Server 0.00079.
gnomAD v4.1: 206 of 1,613,954 alleles (0.013%); highest among the groups gnomAD compares: African/African-American, 0.24%; 2 homozygotes.

Submissions (3):

Labcorp Genetics (formerly Invitae), Labcorp
Classification: Benign for Immunodeficiency, common variable, 10. Last evaluated: 2026-01-24. Review status: criteria provided, single submitter. Criteria: Invitae Variant Classification Sherloc (09022015). Collection method: clinical testing. Allele origin: germline.

Blueprint Genetics
Classification: Likely benign. Last evaluated: 2024-07-11. Review status: criteria provided, single submitter. Criteria: ACMG Guidelines, 2015. Collection method: clinical testing. Allele origin: germline.

PreventionGenetics, part of Exact Sciences
Classification: Likely benign for NFKB2-related condition. Last evaluated: 2019-11-14. Review status: no assertion criteria provided. Collection method: clinical testing. Allele origin: germline. Not counted in ClinVar's aggregate classification.
Comment: This variant is classified as likely benign based on ACMG/AMP sequence variant interpretation guidelines (Richards et al. 2015 PMID: 25741868, with internal and published modifications).

NM_001322934.2(NFKB2):c.1608C>A (p.Ile536=)

Gene: NFKB2 (nuclear factor kappa B subunit 2; plus strand). Cytogenetic location: 10q24.32.
Variant type: single nucleotide variant.
Coding change: c.1608C>A on transcript NM_001322934.2 (MANE Select); coding-DNA position 1608, C replaced by A.
Protein change: p.Ile536=; no amino-acid change (isoleucine 536 retained).
Molecular consequence: synonymous variant.
Genome position (GRCh38, 1-based): chr10:102,400,301, C>A. VCF-style: chr10-102400301-C-A. GRCh37 (hg19) VCF-style: chr10-104160058-C-A.
Other names: c.1608C>A, p.Ile536= (LRG_1347t1, NM_001077494.3, NM_001261403.3 and 2 more transcripts); c.1482C>A, p.Ile494= (NM_001322935.1).
Identifiers: ClinVar variation 541634 (VCV000541634.14), dbSNP rs34916280, ClinGen allele CA5664864.